The following is an entry in ClinVar:

ClinVar aggregate classification (germline): Uncertain significance (1 of 4 stars; one submission).

Conditions:
Inborn genetic diseases. Identifiers: MedGen C0950123, MeSH D030342.

Allele frequency attached by ClinVar (database versions not stated): gnomAD 0.00001.
gnomAD v4.1: 1 of 1,613,940 alleles (0.000062%); highest among the groups gnomAD compares: African/African-American, 0.0013%; no homozygotes.

Submission:

Ambry Genetics
Classification: Uncertain significance for Inborn genetic diseases. Last evaluated: 2023-10-26. Review status: criteria provided, single submitter. Criteria: Ambry Variant Classification Scheme 2023. Collection method: clinical testing. Allele origin: germline.
Comment: The p.P24L variant (also known as c.71C>T), located in coding exon 1 of the RAD51 gene, results from a C to T substitution at nucleotide position 71. The proline at codon 24 is replaced by leucine, an amino acid with similar properties. This amino acid position is conserved. In addition, this alteration is predicted to be tolerated by in silico analysis. Since supporting evidence is limited at this time, the clinical significance of this alteration remains unclear.

NM_002875.5(RAD51):c.71C>T (p.Pro24Leu)

Gene: RAD51 (RAD51 recombinase; plus strand). Cytogenetic location: 15q15.1.
Variant type: single nucleotide variant.
Coding change: c.71C>T on transcript NM_002875.5 (MANE Select); coding-DNA position 71, C replaced by T.
Protein change: p.Pro24Leu; replaces proline 24 with leucine.
Molecular consequence: missense variant.
Genome position (GRCh38, 1-based): chr15:40,698,829, C>T. VCF-style: chr15-40698829-C-T. GRCh37 (hg19) VCF-style: chr15-40991027-C-T.
Other names: c.71C>T, p.Pro24Leu (NM_001164269.2, NM_001164270.2, NM_133487.4); short protein forms P24L.
Identifiers: ClinVar variation 1757651 (VCV001757651.2), dbSNP rs1894813213, ClinGen allele CA391744518.